The following is an entry in ClinVar:

NM_024298.5(MBOAT7):c.126_145del (p.Leu43fs)

Gene: MBOAT7 (membrane bound acylglycerophosphatidylinositol O-acyltransferase MBOAT7; minus strand). Cytogenetic location: 19q13.42.
Variant type: Deletion.
Coding change: c.126_145del on transcript NM_024298.5 (MANE Select); coding-DNA positions 126 to 145, 20 bases deleted (CCTGTTCACCTGTGGCCCCC).
Protein change: p.Leu43fs; shifts the reading frame from leucine 43.
Molecular consequence: frameshift variant.
Genome position (GRCh38, 1-based): chr19:54,188,278-54,188,297, GGGGGCCACAGGTGAACAGG deleted on the plus strand (CCTGTTCACCTGTGGCCCCC on the coding strand, the reverse complement: MBOAT7 is on the minus strand); deleting any 20 consecutive bases within chr19:54,188,278-54,188,298 gives the same sequence; the c. name uses the placement nearest the transcript's 3' end. VCF-style (leftmost placement, unchanged base first): chr19-54188277-TGGGGGCCACAGGTGAACAGG-T. GRCh37 (hg19) VCF-style: chr19-54692131-TGGGGGCCACAGGTGAACAGG-T.
Other names: c.34_53del, p.Pro12fs (NM_001146056.3, NM_001146083.3); c.126_145del, p.Leu43fs (NM_001146082.3); short protein forms L43fs, P12fs.
Identifiers: ClinVar variation 268111 (VCV000268111.3), dbSNP rs886041058, ClinGen allele CA309369063.

ClinVar aggregate classification (germline): Likely pathogenic. Review status: criteria provided, single submitter (1 of 4 stars). 2 submissions from 2 submitters: Likely pathogenic (1). 1 of the submissions does not count toward it. Last evaluated 2020-05-27.

Conditions:
Intellectual developmental disorder, autosomal recessive 57. Also called: Intellectual disability, autosomal recessive 57. Identifiers: MedGen C4310673, MONDO:0014962, OMIM 617188.

Submissions (2):

Broad Center for Mendelian Genomics, Broad Institute of MIT and Harvard
Classification: Likely pathogenic for Intellectual developmental disorder, autosomal recessive 57. Last evaluated: 2020-05-27. Review status: criteria provided, single submitter. Criteria: ACMG Guidelines, 2015. Collection method: research. Allele origin: germline. Inheritance: Autosomal recessive inheritance.
Comment: The homozygous p.Leu43HisfsTer69 variant in MBOAT7 was identified by our study in 2 siblings with autosomal recessive intellectual disability (PMID: 27616480), and segregated with disease in 3 affected relatives from a consanguineous family (PMID: 27616480). This variant was absent from large population studies and has also been reported pathogenic by OMIM in ClinVar (Variation ID: 268111). This variant is predicted to cause a frameshift, which alters the proteinâ€™s amino acid sequence beginning at position 43 and leads to a premature termination codon 69 amino acids downstream. This alteration is then predicted to lead to a truncated or absent protein. While there is some evidence to suggest that loss of function of the MBOAT7 gene is a disease mechanism in autosomal recessive intellectual disability, this association is not yet strongly established based on the criteria laid out in Tayoun, 2018 (PMID: 30192042). In summary, although additional studies are required to fully establish its clinical significance, this variant is likely pathogenic. ACMG/AMP Criteria applied: PVS1_Strong, PM2, PM3_Supporting, PP1 (Richards 2015).

OMIM
Classification: Pathogenic for INTELLECTUAL DEVELOPMENTAL DISORDER, AUTOSOMAL RECESSIVE 57. Last evaluated: 2022-01-26. Review status: no assertion criteria provided. Collection method: literature only. Allele origin: germline. Not counted in ClinVar's aggregate classification.

Literature cited by the submitters: PubMed 27616480 (cited by Broad Center for Mendelian Genomics, Broad Institute of MIT and Harvard); Johansen, A., Rosti, R. O., Musaev, D., Sticca, E., Harripaul, R., Zaki, M., Caglayan, A. O., Azam, M., Sultan, T., Froukh, T., Reis, A., Popp, B., Ahmed, I., John, P., Ayub, M., Ben-Omran, T., Vincent, J. B., Gleeson, J. G., Abou Jamra, R. Mutations in MBOAT7, encoding lysophosphatidylinositol acyltransferase I, lead to intellectual disability accompanied by epilepsy and autistic features. Am. J. Hum. Genet. 99: 912-916, 2016. (cited by OMIM).